The following is an entry in ClinVar:

NM_014290.3(TDRD7):c.700A>G (p.Met234Val)

Gene: TDRD7 (tudor domain containing 7; plus strand). Cytogenetic location: 9q22.33.
Variant type: single nucleotide variant.
Coding change: c.700A>G on transcript NM_014290.3 (MANE Select); coding-DNA position 700, A replaced by G.
Protein change: p.Met234Val; replaces methionine 234 with valine.
Molecular consequence: missense variant.
Genome position (GRCh38, 1-based): chr9:97,441,720, A>G. VCF-style: chr9-97441720-A-G. GRCh37 (hg19) VCF-style: chr9-100204002-A-G.
Other names: c.478A>G, p.Met160Val (NM_001302884.2); short protein forms M234V, M160V.
Identifiers: ClinVar variation 364062 (VCV000364062.8), dbSNP rs758372213, ClinGen allele CA5146523.

ClinVar aggregate classification (germline): Uncertain significance. Review status: criteria provided, multiple submitters, no conflicts (2 of 4 stars). 3 submissions from 3 submitters: Uncertain significance (3). Last evaluated 2025-04-21.

Conditions:
Inborn genetic diseases. Identifiers: MedGen C0950123, MeSH D030342.
Cataract 36. Identifiers: MedGen C3151304, MONDO:0013484, OMIM 613887.

Allele frequency attached by ClinVar (database versions not stated): gnomAD 0.00001; gnomAD exomes 0.00007 and 0.00015; TOPMed 0.00008; ExAC 0.00010.

Submissions (3):

Labcorp Genetics (formerly Invitae), Labcorp
Classification: Uncertain significance for Cataract 36. Last evaluated: 2025-04-21. Review status: criteria provided, single submitter. Criteria: Invitae Variant Classification Sherloc (09022015). Collection method: clinical testing. Allele origin: germline.
Comment: This sequence change replaces methionine, which is neutral and non-polar, with valine, which is neutral and non-polar, at codon 234 of the TDRD7 protein (p.Met234Val). This variant is present in population databases (rs758372213, gnomAD 0.1%). This variant has not been reported in the literature in individuals affected with TDRD7-related conditions. ClinVar contains an entry for this variant (Variation ID: 364062). An algorithm developed to predict the effect of missense changes on protein structure and function (PolyPhen-2) suggests that this variant is likely to be tolerated. In summary, the available evidence is currently insufficient to determine the role of this variant in disease. Therefore, it has been classified as a Variant of Uncertain Significance.

Ambry Genetics
Classification: Uncertain significance for Inborn genetic diseases. Last evaluated: 2025-02-07. Review status: criteria provided, single submitter. Criteria: Ambry Variant Classification Scheme 2023. Collection method: clinical testing. Allele origin: germline.

Illumina Laboratory Services, Illumina
Classification: Uncertain significance for Cataract 36. Last evaluated: 2018-01-12. Review status: criteria provided, single submitter. Criteria: ICSL Variant Classification Criteria 13 December 2019. Collection method: clinical testing. Allele origin: germline.